The following is an entry in ClinVar:

NM_000548.5(TSC2):c.1694T>A (p.Leu565Gln)

Gene: TSC2 (TSC complex subunit 2; plus strand). Cytogenetic location: 16p13.3.
Variant type: single nucleotide variant.
Coding change: c.1694T>A on transcript NM_000548.5 (MANE Select); coding-DNA position 1694, T replaced by A.
Protein change: p.Leu565Gln; replaces leucine 565 with glutamine.
Molecular consequence: missense variant.
Genome position (GRCh38, 1-based): chr16:2,065,613, T>A. VCF-style: chr16-2065613-T-A. GRCh37 (hg19) VCF-style: chr16-2115614-T-A.
Other names: c.1694T>A (NM_000548.3); c.1694T>A, p.Leu565Gln (NM_001077183.3, NM_001114382.3, NM_001363528.2 and 3 more transcripts); c.1583T>A, p.Leu528Gln (NM_001318827.2); c.1547T>A, p.Leu516Gln (NM_001318829.2); c.1094T>A, p.Leu365Gln (NM_001318831.2); c.1727T>A, p.Leu576Gln (NM_001318832.2); short protein forms L365Q, L516Q, L528Q, L565Q, L576Q.
Identifiers: ClinVar variation 1015142 (VCV001015142.9), dbSNP rs2087239987, ClinGen allele CA394270610.
Genomic context (GRCh38, chr16:2,065,613, plus strand): 5'-TGGAAGAAAGGGATGTGGCCGCATACTCGGCCTCCTTGGAGGATGTGAAGACAGCCGTCC[T>A]GGGGCTTCTGGTCATCCTTCAGGTGGGTGTTCTGCACGAGGCCTCTGCTCCCGGGGCGCG-3'
Protein context (NP_000539.2, residues 555-575): ASLEDVKTAV[Leu565Gln]GLLVILQTKL

ClinVar aggregate classification (germline): Uncertain significance. Review status: criteria provided, multiple submitters, no conflicts (2 of 4 stars). 2 submissions from 2 submitters: Uncertain significance (2). Last evaluated 2025-08-11.

Conditions:
Hereditary cancer-predisposing syndrome. Also called: Tumor predisposition; Hereditary Cancer Syndrome; Neoplastic Syndromes, Hereditary; Hereditary neoplastic syndrome. Identifiers: Orphanet 140162, MedGen C0027672, MeSH D009386, MONDO:0015356.
Tuberous sclerosis 2 (TSC2). Identifiers: Orphanet 805, MedGen C1860707, MONDO:0013199, OMIM 613254.

Submissions (2):

Labcorp Genetics (formerly Invitae), Labcorp
Classification: Uncertain significance for Tuberous sclerosis 2. Last evaluated: 2025-08-11. Review status: criteria provided, single submitter. Criteria: Invitae Variant Classification Sherloc (09022015). Collection method: clinical testing. Allele origin: germline.
Comment: This sequence change replaces leucine, which is neutral and non-polar, with glutamine, which is neutral and polar, at codon 565 of the TSC2 protein (p.Leu565Gln). This variant is not present in population databases (gnomAD no frequency). This variant has not been reported in the literature in individuals affected with TSC2-related conditions. ClinVar contains an entry for this variant (Variation ID: 1015142). Invitae Evidence Modeling of protein sequence and biophysical properties (such as structural, functional, and spatial information, amino acid conservation, physicochemical variation, residue mobility, and thermodynamic stability) indicates that this missense variant is not expected to disrupt TSC2 protein function with a negative predictive value of 95%. In summary, the available evidence is currently insufficient to determine the role of this variant in disease. Therefore, it has been classified as a Variant of Uncertain Significance.

Ambry Genetics
Classification: Uncertain significance for Hereditary cancer-predisposing syndrome. Last evaluated: 2024-06-11. Review status: criteria provided, single submitter. Criteria: Ambry Variant Classification Scheme 2023. Collection method: clinical testing. Allele origin: germline.
Comment: The p.L565Q variant (also known as c.1694T>A), located in coding exon 15 of the TSC2 gene, results from a T to A substitution at nucleotide position 1694. The leucine at codon 565 is replaced by glutamine, an amino acid with dissimilar properties. This amino acid position is conserved. In addition, this alteration is predicted to be deleterious by in silico analysis. Based on the available evidence, the clinical significance of this variant remains unclear.